The following is an entry in ClinVar:

ClinVar aggregate classification (germline): Uncertain significance (1 of 4 stars; one submission).

Allele frequency attached by ClinVar (database versions not stated): ESP Exome Variant Server 0.00008.
gnomAD v4.1: 86 of 1,613,972 alleles (0.0053%); highest among the groups gnomAD compares: South Asian, 0.042%; 1 homozygote.

Submission:

Labcorp Genetics (formerly Invitae), Labcorp
Classification: Uncertain significance. Last evaluated: 2022-07-04. Review status: criteria provided, single submitter. Criteria: Invitae Variant Classification Sherloc (09022015). Collection method: clinical testing. Allele origin: germline.
Comment: This sequence change replaces proline, which is neutral and non-polar, with leucine, which is neutral and non-polar, at codon 582 of the ARNT2 protein (p.Pro582Leu). This variant is present in population databases (rs147344883, gnomAD 0.05%), including at least one homozygous and/or hemizygous individual. This variant has not been reported in the literature in individuals affected with ARNT2-related conditions. Algorithms developed to predict the effect of missense changes on protein structure and function are either unavailable or do not agree on the potential impact of this missense change (SIFT: "Deleterious"; PolyPhen-2: "Benign"; Align-GVGD: "Class C0"). In summary, the available evidence is currently insufficient to determine the role of this variant in disease. Therefore, it has been classified as a Variant of Uncertain Significance.

NM_014862.4(ARNT2):c.1745C>T (p.Pro582Leu)

Genes: ARNT2 (aryl hydrocarbon receptor nuclear translocator 2; plus strand), ARNT2-AS1 (ARNT2 antisense RNA 1; minus strand). Cytogenetic location: 15q25.1.
Variant type: single nucleotide variant.
Coding change: c.1745C>T on transcript NM_014862.4 (MANE Select); coding-DNA position 1745, C replaced by T.
Protein change: p.Pro582Leu; replaces proline 582 with leucine.
Molecular consequence: missense variant.
Genome position (GRCh38, 1-based): chr15:80,580,542, C>T. VCF-style: chr15-80580542-C-T. GRCh37 (hg19) VCF-style: chr15-80872883-C-T.
Other names: short protein forms P582L.
Identifiers: ClinVar variation 2176842 (VCV002176842.1), dbSNP rs147344883, ClinGen allele CA7692126.